The following is an entry in ClinVar:

NM_001105206.3(LAMA4):c.1559A>G (p.Gln520Arg)

Gene: LAMA4 (laminin subunit alpha 4; minus strand). Cytogenetic location: 6q21.
Variant type: single nucleotide variant.
Coding change: c.1559A>G on transcript NM_001105206.3 (MANE Select); coding-DNA position 1559, A replaced by G.
Protein change: p.Gln520Arg; replaces glutamine 520 with arginine.
Molecular consequence: missense variant.
Genome position (GRCh38, 1-based): chr6:112,165,269, T>C on the plus strand (A>G on the coding strand, the complement: LAMA4 is on the minus strand). VCF-style: chr6-112165269-T-C. GRCh37 (hg19) VCF-style: chr6-112486471-T-C.
Other names: p.Gln513Arg; c.1538A>G (NM_002290.3, NM_002290.4); c.1538A>G, p.Gln513Arg (NM_001105207.3, NM_002290.5); short protein forms Q513R, Q520R.
Identifiers: ClinVar variation 1420108 (VCV001420108.10), dbSNP rs557735032, ClinGen allele CA3965735.

ClinVar aggregate classification (germline): Uncertain significance. Review status: criteria provided, multiple submitters, no conflicts (2 of 4 stars). 3 submissions from 3 submitters: Uncertain significance (3). Last evaluated 2026-05-20.

Conditions:
Cardiovascular phenotype. Identifiers: MedGen CN230736.
Dilated cardiomyopathy 1JJ (CMD1JJ). Identifiers: Orphanet 154, MedGen C3808935, MONDO:0014095, OMIM 615235.

Allele frequency attached by ClinVar (database versions not stated): gnomAD exomes below 0.00001 and 0.00002; gnomAD 0.00001; 1000 Genomes Project 30x 0.00016; TOPMed below 0.00001; ExAC 0.00001; 1000 Genomes Project 0.00020.
gnomAD v4.1: 6 of 1,606,636 alleles (0.00037%); highest among the groups gnomAD compares: South Asian, 0.0022%; no homozygotes.

Submissions (3):

Ambry Genetics
Classification: Uncertain significance for Cardiovascular phenotype. Last evaluated: 2026-05-20. Review status: criteria provided, single submitter. Criteria: Ambry Variant Classification Scheme 2023. Collection method: clinical testing. Allele origin: germline.
Comment: The p.Q513R variant (also known as c.1538A>G), located in coding exon 12 of the LAMA4 gene, results from an A to G substitution at nucleotide position 1538. The glutamine at codon 513 is replaced by arginine, an amino acid with highly similar properties. This amino acid position is conserved. In addition, this alteration is predicted to be tolerated by in silico analysis. Based on the available evidence, the clinical significance of this variant remains unclear.

Labcorp Genetics (formerly Invitae), Labcorp
Classification: Uncertain significance for Dilated cardiomyopathy 1JJ. Last evaluated: 2025-06-29. Review status: criteria provided, single submitter. Criteria: Invitae Variant Classification Sherloc (09022015). Collection method: clinical testing. Allele origin: germline.
Comment: This sequence change replaces glutamine, which is neutral and polar, with arginine, which is basic and polar, at codon 513 of the LAMA4 protein (p.Gln513Arg). This variant is present in population databases (rs557735032, gnomAD 0.003%). This variant has not been reported in the literature in individuals affected with LAMA4-related conditions. ClinVar contains an entry for this variant (Variation ID: 1420108). Invitae Evidence Modeling of protein sequence and biophysical properties (such as structural, functional, and spatial information, amino acid conservation, physicochemical variation, residue mobility, and thermodynamic stability) indicates that this missense variant is not expected to disrupt LAMA4 protein function with a negative predictive value of 80%. In summary, the available evidence is currently insufficient to determine the role of this variant in disease. Therefore, it has been classified as a Variant of Uncertain Significance.

Mayo Clinic Laboratories, Mayo Clinic
Classification: Uncertain significance. Last evaluated: 2022-04-08. Review status: criteria provided, single submitter. Criteria: ACMG Guidelines, 2015. Collection method: clinical testing. Allele origin: germline. Observed: 1 variant allele.
Comment: BP4